The following is an entry in ClinVar:

NM_001040108.2(MLH3):c.424G>T (p.Ala142Ser)

Gene: MLH3 (mutL homolog 3; minus strand). Cytogenetic location: 14q24.3.
Variant type: single nucleotide variant.
Coding change: c.424G>T on transcript NM_001040108.2 (MANE Select); coding-DNA position 424, G replaced by T.
Protein change: p.Ala142Ser; replaces alanine 142 with serine.
Molecular consequence: missense variant.
Genome position (GRCh38, 1-based): chr14:75,049,232, C>A on the plus strand (G>T on the coding strand, the complement: MLH3 is on the minus strand). VCF-style: chr14-75049232-C-A. GRCh37 (hg19) VCF-style: chr14-75515935-C-A.
Other names: c.424G>T, p.Ala142Ser (NM_014381.3); short protein forms A142S.
Identifiers: ClinVar variation 1377165 (VCV001377165.10), dbSNP rs745639930, ClinGen allele CA7276033.
Genomic context (GRCh38, chr14:75,049,232, plus strand): 5'-TGCATTTCCTCCTTACAGGAAGCTGGTAAAATAGGTTATACACTGTTACAGTAGTCCCAG[C>A]GCTTGCTCTAGTCACATCAGCTTCACAAGCTTTCAGGGCTTTTCCACTCTGAAACAGTTT-3'
Protein context (NP_001035197.1, residues 132-152): ACEADVTRAS[Ala142Ser]GTTVTVYNLF

ClinVar aggregate classification (germline): Conflicting classifications of pathogenicity. Review status: criteria provided, conflicting classifications (1 of 4 stars). 2 submissions from 2 submitters: Uncertain significance (1); Likely benign (1). Last evaluated 2024-04-29.

Conditions:
Colorectal cancer, hereditary nonpolyposis, type 7. Identifiers: Orphanet 144, MedGen C1858380, MONDO:0013725, OMIM 614385.

Allele frequency attached by ClinVar (database versions not stated): TOPMed 0.00003.
gnomAD v4.1: 42 of 1,614,066 alleles (0.0026%); highest among the groups gnomAD compares: Non-Finnish European, 0.0034%; no homozygotes.

Submissions (2):

Labcorp Genetics (formerly Invitae), Labcorp
Classification: Uncertain significance for Colorectal cancer, hereditary nonpolyposis, type 7. Last evaluated: 2024-04-29. Review status: criteria provided, single submitter. Criteria: Invitae Variant Classification Sherloc (09022015). Collection method: clinical testing. Allele origin: germline.
Comment: This sequence change replaces alanine, which is neutral and non-polar, with serine, which is neutral and polar, at codon 142 of the MLH3 protein (p.Ala142Ser). This variant is present in population databases (rs745639930, gnomAD 0.008%). This variant has not been reported in the literature in individuals affected with MLH3-related conditions. ClinVar contains an entry for this variant (Variation ID: 1377165). Algorithms developed to predict the effect of missense changes on protein structure and function output the following: SIFT: "Not Available"; PolyPhen-2: "Benign"; Align-GVGD: "Not Available". The serine amino acid residue is found in multiple mammalian species, which suggests that this missense change does not adversely affect protein function. In summary, the available evidence is currently insufficient to determine the role of this variant in disease. Therefore, it has been classified as a Variant of Uncertain Significance.

Ambry Genetics
Classification: Likely benign. Last evaluated: 2024-03-27. Review status: criteria provided, single submitter. Criteria: Ambry Variant Classification Scheme 2023. Collection method: clinical testing. Allele origin: germline.